The following is an entry in ClinVar:

NM_001972.4(ELANE):c.403G>A (p.Val135Met)

Gene: ELANE (elastase, neutrophil expressed; plus strand). Cytogenetic location: 19p13.3.
Variant type: single nucleotide variant.
Coding change: c.403G>A on transcript NM_001972.4 (MANE Select); coding-DNA position 403, G replaced by A.
Protein change: p.Val135Met; replaces valine 135 with methionine.
Molecular consequence: missense variant.
Genome position (GRCh38, 1-based): chr19:855,600, G>A. VCF-style: chr19-855600-G-A. GRCh37 (hg19) VCF-style: chr19-855600-G-A.
Other names: short protein forms V135M.
Identifiers: ClinVar variation 1014750 (VCV001014750.18), dbSNP rs774457980, ClinGen allele CA9026047.

ClinVar aggregate classification (germline): Uncertain significance. Review status: criteria provided, multiple submitters, no conflicts (2 of 4 stars). 3 submissions from 3 submitters: Uncertain significance (3). Last evaluated 2026-01-08.

Conditions:
Cyclical neutropenia. Also called: Cyclic hematopoiesis; Cyclic Neutropenia. Identifiers: Orphanet 2686, MedGen C0221023, MONDO:0008090, OMIM 162800, HP:0040289. Disease mechanism: loss of function.
Neutropenia, severe congenital, 1, autosomal dominant. Identifiers: MedGen C1859966, MONDO:0042490, OMIM 202700.

Allele frequency attached by ClinVar (database versions not stated): TOPMed below 0.00001; ExAC 0.00001.
gnomAD v4.1: 2 of 1,601,298 alleles (0.00012%); highest among the groups gnomAD compares: Non-Finnish European, 0.000085%; no homozygotes.

Submissions (3):

Labcorp Genetics (formerly Invitae), Labcorp
Classification: Uncertain significance for Neutropenia, severe congenital, 1, autosomal dominant; Cyclical neutropenia. Last evaluated: 2026-01-08. Review status: criteria provided, single submitter. Criteria: Invitae Variant Classification Sherloc (09022015). Collection method: clinical testing. Allele origin: germline.
Comment: This sequence change replaces valine, which is neutral and non-polar, with methionine, which is neutral and non-polar, at codon 135 of the ELANE protein (p.Val135Met). This variant is present in population databases (rs774457980, gnomAD 0.0009%). This variant has not been reported in the literature in individuals affected with ELANE-related conditions. ClinVar contains an entry for this variant (Variation ID: 1014750). Invitae Evidence Modeling of protein sequence and biophysical properties (such as structural, functional, and spatial information, amino acid conservation, physicochemical variation, residue mobility, and thermodynamic stability) has been performed for this missense variant. However, the output from this modeling did not meet the statistical confidence thresholds required to predict the impact of this variant on ELANE protein function. In summary, the available evidence is currently insufficient to determine the role of this variant in disease. Therefore, it has been classified as a Variant of Uncertain Significance.

Blueprint Genetics
Classification: Uncertain significance. Last evaluated: 2024-03-26. Review status: criteria provided, single submitter. Criteria: ACMG Guidelines, 2015. Collection method: clinical testing. Allele origin: germline.

ARUP Laboratories, Molecular Genetics and Genomics, ARUP Laboratories
Classification: Uncertain significance. Last evaluated: 2022-01-12. Review status: criteria provided, single submitter. Criteria: ARUP Molecular Germline Variant Investigation Process 2021. Collection method: clinical testing. Allele origin: germline.
Comment: The ELANE c.403G>A; p.Val135Met variant (rs774457980), to our knowledge, is not reported in the medical literature but is reported in ClinVar (Variation ID: 1014750). This variant is only observed on one allele in the Genome Aggregation Database, indicating it is not a common polymorphism. The valine at codon 135 is moderately conserved, and computational analyses are uncertain whether this variant is neutral or deleterious (REVEL: 0.441). Due to limited information, the clinical significance of the p.Val135Met variant is uncertain at this time.